The following is an entry in ClinVar:

ClinVar aggregate classification (germline): Uncertain significance (1 of 4 stars; one submission).

Allele frequency attached by ClinVar (database versions not stated): gnomAD exomes below 0.00001; TOPMed below 0.00001.
gnomAD v4.1: 1 of 1,614,078 alleles (0.000062%); highest among the groups gnomAD compares: Non-Finnish European, 0.000085%; no homozygotes.

Submission:

Labcorp Genetics (formerly Invitae), Labcorp
Classification: Uncertain significance. Last evaluated: 2023-04-09. Review status: criteria provided, single submitter. Criteria: Invitae Variant Classification Sherloc (09022015). Collection method: clinical testing. Allele origin: germline.
Comment: In summary, the available evidence is currently insufficient to determine the role of this variant in disease. Therefore, it has been classified as a Variant of Uncertain Significance. An algorithm developed to predict the effect of missense changes on protein structure and function (PolyPhen-2) suggests that this variant is likely to be tolerated. This variant has not been reported in the literature in individuals affected with LAMTOR2-related conditions. This variant is present in population databases (no rsID available, gnomAD 0.0009%). This sequence change replaces glutamine, which is neutral and polar, with histidine, which is basic and polar, at codon 121 of the LAMTOR2 protein (p.Gln121His).

NM_014017.4(LAMTOR2):c.363A>C (p.Gln121His)

Gene: LAMTOR2 (late endosomal/lysosomal adaptor, MAPK and MTOR activator 2; plus strand). Cytogenetic location: 1q22.
Variant type: single nucleotide variant.
Coding change: c.363A>C on transcript NM_014017.4 (MANE Select); coding-DNA position 363, A replaced by C.
Protein change: p.Gln121His; replaces glutamine 121 with histidine.
Molecular consequence: missense variant.
Genome position (GRCh38, 1-based): chr1:156,058,356, A>C. VCF-style: chr1-156058356-A-C. GRCh37 (hg19) VCF-style: chr1-156028147-A-C.
Other names: c.273A>C, p.Gln91His (NM_001145264.2); short protein forms Q121H, Q91H.
Identifiers: ClinVar variation 2834650 (VCV002834650.3), dbSNP rs1485814036, ClinGen allele CA342816558.
Genomic context (GRCh38, chr1:156,058,356, plus strand): 5'-CTCTGTTCTCCCTCTGCAGGCCCAGGCTTTGGTGCAGTACCTGGAGGAGCCCCTCACCCA[A>C]GTGGCGGCATCTTAACGGCATTGGTGGAAGCTGGGGTCAGAAAAGAGAAATGACCATTTG-3'
Protein context (NP_054736.1, residues 111-125): LVQYLEEPLT[Gln121His]VAAS